The following is an entry in ClinVar:

NM_001042492.3(NF1):c.7452C>A (p.Ser2484=)

Gene: NF1 (neurofibromin 1; plus strand). Cytogenetic location: 17q11.2.
Variant type: single nucleotide variant.
Coding change: c.7452C>A on transcript NM_001042492.3 (MANE Select); coding-DNA position 7452, C replaced by A.
Protein change: p.Ser2484=; no amino-acid change (serine 2484 retained).
Molecular consequence: synonymous variant.
Genome position (GRCh38, 1-based): chr17:31,350,313, C>A. VCF-style: chr17-31350313-C-A. GRCh37 (hg19) VCF-style: chr17-29677331-C-A.
Other names: c.7389C>A, p.Ser2463= (NM_000267.4).
Identifiers: ClinVar variation 480159 (VCV000480159.17), dbSNP rs764502383, ClinGen allele CA8487572.
Genomic context (GRCh38, chr17:31,350,313, plus strand): 5'-TGATATTTCAATGGAAAATGTTCCTATGGATACATATCCCATTCATCATGGTGACCCTTC[C>A]TATAGGTAAGTGGATTTACTCTCCTATAATTACATAATCATAATCAAGTTTCAATTTTCC-3'
Protein context (NP_001035957.1, residues 2474-2494): DTYPIHHGDP[Ser2484=]YRTLKETQPW

ClinVar aggregate classification (germline): Conflicting classifications of pathogenicity. Review status: criteria provided, conflicting classifications (1 of 4 stars). 5 submissions from 5 submitters: Uncertain significance (1); Benign (1); Likely benign (3). Last evaluated 2026-05-21.

Conditions:
Hereditary cancer-predisposing syndrome. Also called: Hereditary neoplastic syndrome; Neoplastic Syndromes, Hereditary; Hereditary Cancer Syndrome; Tumor predisposition. Identifiers: Orphanet 140162, MedGen C0027672, MeSH D009386, MONDO:0015356.
Cardiovascular phenotype. Identifiers: MedGen CN230736.
Neurofibromatosis, type 1 (NF1). Also called: Peripheral type neurofibromatosis; Neurofibromatosis, type I; VON RECKLINGHAUSEN DISEASE; NEUROFIBROMATOSIS, TYPE I, SOMATIC. Identifiers: Orphanet 636, MedGen C0027831, MONDO:0018975, OMIM 162200. Disease mechanism: loss of function.

Allele frequency attached by ClinVar (database versions not stated): gnomAD exomes below 0.00001; TOPMed 0.00001; ExAC 0.00001.
gnomAD v4.1: 1 of 1,612,084 alleles (0.000062%); highest among the groups gnomAD compares: Non-Finnish European, 0.000085%; no homozygotes.

Submissions (5):

Myriad Genetics, Inc.
Classification: Benign for Neurofibromatosis, type 1. Last evaluated: 2026-05-21. Review status: criteria provided, single submitter. Criteria: Myriad Autosomal Dominant, Autosomal Recessive and X-Linked Classification Criteria (2023). Collection method: clinical testing. Allele origin: unknown.
Comment: This variant is considered benign. This variant is a silent/synonymous amino acid change and it is not expected to impact splicing.

Labcorp Genetics (formerly Invitae), Labcorp
Classification: Likely benign for Neurofibromatosis, type 1. Last evaluated: 2025-12-20. Review status: criteria provided, single submitter. Criteria: Invitae Variant Classification Sherloc (09022015). Collection method: clinical testing. Allele origin: germline.

Quest Diagnostics Nichols Institute San Juan Capistrano
Classification: Uncertain significance. Last evaluated: 2025-04-25. Review status: criteria provided, single submitter. Criteria: Quest Diagnostics criteria. Collection method: clinical testing. Allele origin: unknown.

Genome-Nilou Lab
Classification: Likely benign for Neurofibromatosis, type 1. Last evaluated: 2022-03-15. Review status: criteria provided, single submitter. Criteria: ACMG Guidelines, 2015. Collection method: clinical testing. Allele origin: germline. Affected: no.

Ambry Genetics
Classification: Likely benign for Cardiovascular phenotype; Hereditary cancer-predisposing syndrome. Last evaluated: 2016-09-21. Review status: criteria provided, single submitter. Criteria: Ambry Variant Classification Scheme 2023. Collection method: clinical testing. Allele origin: germline.